The following is an entry in ClinVar:

NM_025114.4(CEP290):c.5897C>T (p.Thr1966Ile)

Gene: CEP290 (centrosomal protein 290; minus strand). Cytogenetic location: 12q21.32.
Variant type: single nucleotide variant.
Coding change: c.5897C>T on transcript NM_025114.4 (MANE Select); coding-DNA position 5897, C replaced by T.
Protein change: p.Thr1966Ile; replaces threonine 1966 with isoleucine.
Molecular consequence: missense variant.
Genome position (GRCh38, 1-based): chr12:88,071,408, G>A on the plus strand (C>T on the coding strand, the complement: CEP290 is on the minus strand). VCF-style: chr12-88071408-G-A. GRCh37 (hg19) VCF-style: chr12-88465185-G-A.
Other names: short protein forms T1966I.
Identifiers: ClinVar variation 4064344 (VCV004064344.3).
Genomic context (GRCh38, chr12:88,071,408, plus strand): 5'-AATTCTTTTTCTGACTCCAAAGCTCGTATTCCCAAAACCTGATCAACAGTCATGCCAGTT[G>A]TTTTTAGTTTCCTCTGCAAAGTAAGTTTCTCTTTATCGGCTCTGTGGAATTTAATATAGA-3'
Protein context (NP_079390.3, residues 1956-1976): EKLTLQRKLK[Thr1966Ile]TGMTVDQVLG

ClinVar aggregate classification (germline): Uncertain significance. Review status: criteria provided, multiple submitters, no conflicts (2 of 4 stars). 3 submissions from 3 submitters: Uncertain significance (2). 1 of the submissions does not count toward it. Last evaluated 2026-09-02.

Conditions:
Inborn genetic diseases. Identifiers: MedGen C0950123, MeSH D030342.
Leber congenital amaurosis (LCA). Also called: Leber's amaurosis. Identifiers: Orphanet 65, MedGen C0339527, MeSH D057130, MONDO:0018998.
CEP290-related disorder. Also called: CEP290-related condition; CEP290-related disorders. Identifiers: MedGen CN239314.

gnomAD v4.1: 2 of 1,610,784 alleles (0.00012%); highest among the groups gnomAD compares: African/African-American, 0.0027%; no homozygotes.

Submissions (3):

PreventionGenetics, part of Exact Sciences
Classification: Uncertain significance for CEP290-related condition. Last evaluated: 2026-09-02. Review status: criteria provided, single submitter. Criteria: ACMG Guidelines, 2015. Collection method: clinical testing. Allele origin: germline.
Comment: The CEP290 c.5897C>T variant is predicted to result in the amino acid substitution p.Thr1966Ile. To our knowledge, this variant has not been reported in the literature. This variant is reported in 0.0065% of alleles in individuals of African descent in gnomAD. At this time, the clinical significance of this variant is uncertain due to the absence of conclusive functional and genetic evidence.

Ambry Genetics
Classification: Uncertain significance for Inborn genetic diseases. Last evaluated: 2025-07-12. Review status: criteria provided, single submitter. Criteria: Ambry Variant Classification Scheme 2023. Collection method: clinical testing. Allele origin: germline.

Natera, Inc.
Classification: Uncertain significance for Leber congenital amaurosis. Last evaluated: 2025-01-22. Review status: no assertion criteria provided. Collection method: clinical testing. Allele origin: germline. Not counted in ClinVar's aggregate classification.